The following is an entry in ClinVar:

ClinVar aggregate classification (germline): Uncertain significance (1 of 4 stars; one submission).

Submission:

Labcorp Genetics (formerly Invitae), Labcorp
Classification: Uncertain significance. Last evaluated: 2023-09-29. Review status: criteria provided, single submitter. Criteria: Invitae Variant Classification Sherloc (09022015). Collection method: clinical testing. Allele origin: germline.
Comment: In summary, the available evidence is currently insufficient to determine the role of this variant in disease. Therefore, it has been classified as a Variant of Uncertain Significance. Algorithms developed to predict the effect of missense changes on protein structure and function output the following: SIFT: "Not Available"; PolyPhen-2: "Benign"; Align-GVGD: "Not Available". The histidine amino acid residue is found in multiple mammalian species, which suggests that this missense change does not adversely affect protein function. This variant has not been reported in the literature in individuals affected with RELB-related conditions. This variant is not present in population databases (gnomAD no frequency). This sequence change replaces glutamine, which is neutral and polar, with histidine, which is basic and polar, at codon 280 of the RELB protein (p.Gln280His).

NM_006509.4(RELB):c.840G>C (p.Gln280His)

Gene: RELB (RELB proto-oncogene, NF-kB subunit; plus strand). Cytogenetic location: 19q13.32.
Variant type: single nucleotide variant.
Coding change: c.840G>C on transcript NM_006509.4 (MANE Select); coding-DNA position 840, G replaced by C.
Protein change: p.Gln280His; replaces glutamine 280 with histidine.
Molecular consequence: missense variant.
Genome position (GRCh38, 1-based): chr19:45,025,691, G>C. VCF-style: chr19-45025691-G-C. GRCh37 (hg19) VCF-style: chr19-45528949-G-C.
Other names: c.831G>C, p.Gln277His (NM_001411087.1); short protein forms Q280H, Q277H.
Identifiers: ClinVar variation 2983398 (VCV002983398.3), dbSNP rs762065870, ClinGen allele CA406300153.